The following is an entry in ClinVar:

ClinVar aggregate classification (germline): Likely benign. Review status: criteria provided, multiple submitters, no conflicts (2 of 4 stars). 2 submissions from 2 submitters: Likely benign (2). Last evaluated 2025-12-12.

Conditions:
Congenital myasthenic syndrome 20. Also called: Myasthenic syndrome, congenital, 20, presynaptic. Identifiers: MedGen C4310694, MONDO:0014939, OMIM 617143.
Neuronopathy, distal hereditary motor, type 7A. Also called: HARPER-YOUNG MYOPATHY; HMN VIIA; NEURONOPATHY, DISTAL HEREDITARY MOTOR, HARDING TYPE VIIA; NEUROPATHY, DISTAL HEREDITARY MOTOR, HARDING TYPE VIIA; Neuronopathy, distal hereditary motor, autosomal dominant 7; Neuronopathy, distal hereditary motor, type viia. Identifiers: Orphanet 139589, MedGen C1834703, MONDO:0008024, OMIM 158580.

Allele frequency attached by ClinVar (database versions not stated): TOPMed below 0.00001.
gnomAD v4.1: 6 of 1,614,062 alleles (0.00037%); highest among the groups gnomAD compares: South Asian, 0.0022%; no homozygotes.

Submissions (2):

Labcorp Genetics (formerly Invitae), Labcorp
Classification: Likely benign for Neuronopathy, distal hereditary motor, type 7A; Congenital myasthenic syndrome 20. Last evaluated: 2025-12-12. Review status: criteria provided, single submitter. Criteria: Invitae Variant Classification Sherloc (09022015). Collection method: clinical testing. Allele origin: germline.

CeGaT Center for Human Genetics Tuebingen
Classification: Likely benign. Last evaluated: 2023-07-01. Review status: criteria provided, single submitter. Criteria: CeGaT Center For Human Genetics Tuebingen Variant Classification Criteria Version 2. Collection method: clinical testing. Allele origin: germline. Affected: yes. Observed: 1 variant allele.
Comment: SLC5A7: BP4, BP7

NM_021815.5(SLC5A7):c.102C>T (p.Ser34=)

Gene: SLC5A7 (solute carrier family 5 member 7; plus strand). Cytogenetic location: 2q12.3.
Variant type: single nucleotide variant.
Coding change: c.102C>T on transcript NM_021815.5 (MANE Select); coding-DNA position 102, C replaced by T.
Protein change: p.Ser34=; no amino-acid change (serine 34 retained).
Molecular consequence: synonymous variant. On other transcripts: 5 prime UTR variant (1), intron variant (1).
Genome position (GRCh38, 1-based): chr2:107,988,257, C>T. VCF-style: chr2-107988257-C-T. GRCh37 (hg19) VCF-style: chr2-108604713-C-T.
Other names: c.102C>T, p.Ser34= (NM_001305005.3); c.-603C>T (NM_001305007.3); c.-138+1494C>T (NM_001305006.3).
Identifiers: ClinVar variation 1123030 (VCV001123030.31), dbSNP rs778941657, ClinGen allele CA427882695.
Genomic context (GRCh38, chr2:107,988,257, plus strand): 5'-CTACCTTCTAATTTTGCTGGTTGGAATATGGGCTGCCTGGAGAACCAAAAACAGTGGCAG[C>T]GCAGAAGAGCGCAGCGAAGCCATCATAGTTGGTGGCCGAGATATTGGTTTATTGGTTGGT-3'
Protein context (NP_068587.1, residues 24-44): WAAWRTKNSG[Ser34=]AEERSEAIIV